The following is an entry in ClinVar:

ClinVar aggregate classification (germline): Uncertain significance (1 of 4 stars; one submission).

Conditions:
Hereditary cancer-predisposing syndrome. Also called: Tumor predisposition; Neoplastic Syndromes, Hereditary; Hereditary Cancer Syndrome; Hereditary neoplastic syndrome. Identifiers: Orphanet 140162, MedGen C0027672, MeSH D009386, MONDO:0015356.

Submission:

Ambry Genetics
Classification: Uncertain significance for Hereditary cancer-predisposing syndrome. Last evaluated: 2025-01-13. Review status: criteria provided, single submitter. Criteria: Ambry Variant Classification Scheme 2023. Collection method: clinical testing. Allele origin: germline.
Comment: The p.L193M variant (also known as c.577T>A), located in coding exon 3 of the MSH6 gene, results from a T to A substitution at nucleotide position 577. The leucine at codon 193 is replaced by methionine, an amino acid with highly similar properties. This amino acid position is conserved. In addition, this alteration is predicted to be tolerated by in silico analysis. Based on the available evidence, the clinical significance of this variant remains unclear.

NM_000179.3(MSH6):c.577T>A (p.Leu193Met)

Gene: MSH6 (mutS homolog 6; plus strand). Cytogenetic location: 2p16.3.
Variant type: single nucleotide variant.
Coding change: c.577T>A on transcript NM_000179.3 (MANE Select); coding-DNA position 577, T replaced by A.
Protein change: p.Leu193Met; replaces leucine 193 with methionine.
Molecular consequence: missense variant. On other transcripts: 5 prime UTR variant (2), non-coding transcript variant (5), intron variant (8).
Genome position (GRCh38, 1-based): chr2:47,796,013, T>A. VCF-style: chr2-47796013-T-A. GRCh37 (hg19) VCF-style: chr2-48023152-T-A.
Other names: c.-326T>A (NM_001281494.2); c.673T>A, p.Leu225Met (NM_001406795.1, NM_001406802.1); c.577T>A, p.Leu193Met (NM_001406796.1, NM_001406798.1, NM_001406800.1 and 5 more transcripts); c.280T>A, p.Leu94Met (NM_001406797.1, NM_001406801.1, NM_001406805.1 and 10 more transcripts); c.52T>A, p.Leu18Met (NM_001406799.1, NM_001406806.1, NM_001406807.1); c.499T>A, p.Leu167Met (NM_001406804.1); c.583T>A, p.Leu195Met (NM_001406813.1); c.-418T>A (NM_001406814.1); and 3 more; short protein forms L137M, L167M, L195M, L94M, L18M, L193M, L225M.
Identifiers: ClinVar variation 3875075 (VCV003875075.1).